The following is an entry in ClinVar:

ClinVar aggregate classification (germline): Likely benign. Review status: criteria provided, multiple submitters, no conflicts (2 of 4 stars). 2 submissions from 2 submitters: Likely benign (2). Last evaluated 2025-07-01.

Conditions:
Ulnar-mammary syndrome (UMS). Also called: SCHINZEL SYNDROME; Ulnar-mammary syndrome of Pallister; PALLISTER ULNAR-MAMMARY SYNDROME. Identifiers: Orphanet 3138, MedGen C1866994, MONDO:0008411, OMIM 181450.

gnomAD v4.1: 2 of 1,572,928 alleles (0.00013%); highest among the groups gnomAD compares: Non-Finnish European, 0.00017%; no homozygotes.

Submissions (2):

CeGaT Center for Human Genetics Tuebingen
Classification: Likely benign. Last evaluated: 2025-07-01. Review status: criteria provided, single submitter. Criteria: CeGaT Center For Human Genetics Tuebingen Variant Classification Criteria Version 2. Collection method: clinical testing. Allele origin: germline. Affected: yes. Observed: 1 variant allele.
Comment: TBX3: BP4, BP7

Labcorp Genetics (formerly Invitae), Labcorp
Classification: Likely benign for Ulnar-mammary syndrome. Last evaluated: 2025-03-19. Review status: criteria provided, single submitter. Criteria: Invitae Variant Classification Sherloc (09022015). Collection method: clinical testing. Allele origin: germline.

NM_005996.4(TBX3):c.1866C>G (p.Pro622=)

Gene: TBX3 (T-box transcription factor 3; minus strand). Cytogenetic location: 12q24.21.
Variant type: single nucleotide variant.
Coding change: c.1866C>G on transcript NM_005996.4 (MANE Select); coding-DNA position 1866, C replaced by G.
Protein change: p.Pro622=; no amino-acid change (proline 622 retained).
Molecular consequence: synonymous variant.
Genome position (GRCh38, 1-based): chr12:114,672,147, G>C on the plus strand (C>G on the coding strand, the complement: TBX3 is on the minus strand). VCF-style: chr12-114672147-G-C. GRCh37 (hg19) VCF-style: chr12-115109952-G-C.
Other names: c.1926C>G, p.Pro642= (NM_016569.4).
Identifiers: ClinVar variation 4083708 (VCV004083708.9).